The following is an entry in ClinVar:

NM_032436.4(CHAMP1):c.1741G>A (p.Glu581Lys)

Gene: CHAMP1 (chromosome alignment maintaining phosphoprotein 1; plus strand). Cytogenetic location: 13q34.
Variant type: single nucleotide variant.
Coding change: c.1741G>A on transcript NM_032436.4 (MANE Select); coding-DNA position 1741, G replaced by A.
Protein change: p.Glu581Lys; replaces glutamic acid 581 with lysine.
Molecular consequence: missense variant.
Genome position (GRCh38, 1-based): chr13:114,325,583, G>A. VCF-style: chr13-114325583-G-A. GRCh37 (hg19) VCF-style: chr13-115091058-G-A.
Other names: c.1741G>A, p.Glu581Lys (NM_001164144.3, NM_001164145.3); short protein forms E581K.
Identifiers: ClinVar variation 4686969 (VCV004686969.1).

ClinVar aggregate classification (germline): Uncertain significance (1 of 4 stars; one submission).

Submission:

GeneDx
Classification: Uncertain significance. Last evaluated: 2025-07-20. Review status: criteria provided, single submitter. Criteria: GeneDx Variant Classification Process June 2021. Collection method: clinical testing. Allele origin: germline. Affected: yes.
Comment: Not observed at significant frequency in large population cohorts (gnomAD); In silico analysis suggests that this missense variant does not alter protein structure/function; Has not been previously published as pathogenic or benign to our knowledge